The following is an entry in ClinVar:

ClinVar aggregate classification (germline): Pathogenic (1 of 4 stars; one submission).

Conditions:
PRPH2-related disorder. Also called: PRPH2-related disorders; PRPH2-related condition. Identifiers: MedGen CN239395.

Submission:

Labcorp Genetics (formerly Invitae), Labcorp
Classification: Pathogenic for PRPH2-related disorder. Last evaluated: 2023-03-26. Review status: criteria provided, single submitter. Criteria: Invitae Variant Classification Sherloc (09022015). Collection method: clinical testing. Allele origin: germline.
Comment: This sequence change creates a premature translational stop signal (p.Glu162*) in the PRPH2 gene. It is expected to result in an absent or disrupted protein product. Loss-of-function variants in PRPH2 are known to be pathogenic (PMID: 8111389, 8485575, 8485576, 8675410, 16916875, 17504850, 22863181, 25675413, 26061163, 27365499, 29555955, 33546218). For these reasons, this variant has been classified as Pathogenic. This variant has not been reported in the literature in individuals affected with PRPH2-related conditions. This variant is not present in population databases (gnomAD no frequency).

Literature cited by the submitters: PubMed 8111389; PubMed 8485575; PubMed 8485576; PubMed 8675410; PubMed 16916875; PubMed 17504850; PubMed 22863181; PubMed 25675413; PubMed 26061163; PubMed 27365499; PubMed 29555955; PubMed 33546218.

NM_000322.5(PRPH2):c.484G>T (p.Glu162Ter)

Gene: PRPH2 (peripherin 2; minus strand). Cytogenetic location: 6p21.1.
Variant type: single nucleotide variant.
Coding change: c.484G>T on transcript NM_000322.5 (MANE Select); coding-DNA position 484, G replaced by T.
Protein change: p.Glu162Ter; replaces glutamic acid 162 with a stop codon.
Molecular consequence: nonsense.
Genome position (GRCh38, 1-based): chr6:42,721,851, C>A on the plus strand (G>T on the coding strand, the complement: PRPH2 is on the minus strand). VCF-style: chr6-42721851-C-A. GRCh37 (hg19) VCF-style: chr6-42689589-C-A.
Other names: short protein forms E162*.
Identifiers: ClinVar variation 2849836 (VCV002849836.3), dbSNP rs769939935, ClinGen allele CA364137456.